The following is an entry in ClinVar:

NM_018297.4(NGLY1):c.780A>T (p.Arg260Ser)

Gene: NGLY1 (N-glycanase 1; minus strand). Cytogenetic location: 3p24.2.
Variant type: single nucleotide variant.
Coding change: c.780A>T on transcript NM_018297.4 (MANE Select); coding-DNA position 780, A replaced by T.
Protein change: p.Arg260Ser; replaces arginine 260 with serine.
Molecular consequence: missense variant.
Genome position (GRCh38, 1-based): chr3:25,739,678, T>A on the plus strand (A>T on the coding strand, the complement: NGLY1 is on the minus strand). VCF-style: chr3-25739678-T-A. GRCh37 (hg19) VCF-style: chr3-25781169-T-A.
Other names: c.780A>T, p.Arg260Ser (NM_001145293.2, NM_001145295.2); c.654A>T, p.Arg218Ser (NM_001145294.2); short protein forms R260S, R218S.
Identifiers: ClinVar variation 1474594 (VCV001474594.8), dbSNP rs2125485237, ClinGen allele CA351903579.
Genomic context (GRCh38, chr3:25,739,678, plus strand): 5'-ATCTTCCACTTCCTTTGCACCCCACTTCAGCTCATCATCACTGGGCAGTAATGATCTATC[T>A]CTAGACCTAGTCTGTCCACCACATTTGCTGCACAAAACGTTATTCACCCAGTGAAAAAAT-3'
Protein context (NP_060767.2, residues 250-270): CSKCGGQTRS[Arg260Ser]DRSLLPSDDE

ClinVar aggregate classification (germline): Uncertain significance (1 of 4 stars; one submission).

Conditions:
Congenital disorder of deglycosylation (CDDG). Identifiers: MedGen C3808991, MONDO:0031376.

Submission:

Labcorp Genetics (formerly Invitae), Labcorp
Classification: Uncertain significance for Congenital disorder of deglycosylation. Last evaluated: 2021-04-11. Review status: criteria provided, single submitter. Criteria: Invitae Variant Classification Sherloc (09022015). Collection method: clinical testing. Allele origin: germline.
Comment: This variant is not present in population databases (ExAC no frequency). In summary, the available evidence is currently insufficient to determine the role of this variant in disease. Therefore, it has been classified as a Variant of Uncertain Significance. Algorithms developed to predict the effect of missense changes on protein structure and function (SIFT, PolyPhen-2, Align-GVGD) all suggest that this variant is likely to be tolerated, but these predictions have not been confirmed by published functional studies and their clinical significance is uncertain. This variant has not been reported in the literature in individuals with NGLY1-related conditions. This sequence change replaces arginine with serine at codon 260 of the NGLY1 protein (p.Arg260Ser). The arginine residue is moderately conserved and there is a moderate physicochemical difference between arginine and serine.